The following is an entry in ClinVar:

ClinVar aggregate classification (germline): Conflicting classifications of pathogenicity. Review status: criteria provided, conflicting classifications (1 of 4 stars). 19 submissions from 19 submitters: Uncertain significance (7); Benign (1); Likely benign (9). 2 of the submissions do not count toward it. Last evaluated 2026-01-21.

Conditions:
Hereditary nonpolyposis colon cancer (HNPCC). Also called: Hereditary Nonpolyposis Colorectal Cancer Syndrome; Hereditary nonpolyposis colorectal cancer; Familial nonpolyposis colon cancer. Identifiers: Orphanet 443909, MedGen C1333990, MONDO:0018630. Disease mechanism: loss of function.
MSH6-related disorder. Also called: MSH6-related condition; MSH6-Related disorders.
Hereditary nonpolyposis colorectal neoplasms. Identifiers: MedGen C0009405, MeSH D003123.
Endometrial carcinoma. Also called: Endometrial carcinoma, somatic. Identifiers: MedGen C0476089, MONDO:0002447, OMIM 608089, HP:0012114.
Lynch syndrome 5 (LYNCH5). Also called: Colorectal cancer, hereditary nonpolyposis, type 5; Hereditary non-polyposis colorectal cancer, type 5. Identifiers: Orphanet 144, MedGen C1833477, MONDO:0013710, OMIM 614350. Disease mechanism: loss of function.
Mismatch repair cancer syndrome 3. Identifiers: MedGen C5436807, MONDO:0030841, OMIM 619097.
Hereditary cancer-predisposing syndrome. Also called: Neoplastic Syndromes, Hereditary; Tumor predisposition; Hereditary neoplastic syndrome; Hereditary Cancer Syndrome. Identifiers: Orphanet 140162, MedGen C0027672, MeSH D009386, MONDO:0015356.

Allele frequency attached by ClinVar (database versions not stated): TOPMed 0.00004; ExAC 0.00005; gnomAD 0.00006; gnomAD exomes 0.00007; ESP Exome Variant Server 0.00008.

Submissions (19):

Labcorp Genetics (formerly Invitae), Labcorp
Classification: Likely benign for Hereditary nonpolyposis colorectal neoplasms. Last evaluated: 2026-01-21. Review status: criteria provided, single submitter. Criteria: Invitae Variant Classification Sherloc (09022015). Collection method: clinical testing. Allele origin: germline.

Dasa
Classification: Uncertain significance. Last evaluated: 2025-10-20. Review status: criteria provided, single submitter. Criteria: DASA Assertion Criteria. Collection method: clinical testing. Allele origin: germline.
Comment: NM_000179.3(MSH6):c.3478G>A (p.Val1160Ile) is a missense variant that results in the substitution of valine with isoleucine. This variant is rare in population databases. Computational prediction algorithms are consistent with a benign effect. The currently available literature and clinical evidence are not sufficient to establish a definitive association between this variant and the reported condition. Therefore, this variant is classified as a variant of uncertain significance.

PreventionGenetics, part of Exact Sciences
Classification: Likely benign for MSH6-related condition. Last evaluated: 2025-06-20. Review status: criteria provided, single submitter. Criteria: ACMG Guidelines, 2015. Collection method: clinical testing. Allele origin: germline.
Comment: This variant is classified as likely benign based on ACMG/AMP sequence variant interpretation guidelines (Richards et al. 2015 PMID: 25741868, with internal and published modifications).

Myriad Genetics, Inc.
Classification: Likely benign for Lynch syndrome 5. Last evaluated: 2025-01-07. Review status: criteria provided, single submitter. Criteria: Myriad Autosomal Dominant, Autosomal Recessive and X-Linked Classification Criteria (2023). Collection method: clinical testing. Allele origin: unknown.
Comment: This variant is considered likely benign. This variant is strongly associated with less severe personal and family histories of cancer, typical for individuals without pathogenic variants in this gene [PMID: 27363726].

Institute for Biomarker Research, Medical Diagnostic Laboratories, L.L.C.
Classification: Uncertain significance for Hereditary cancer-predisposing syndrome. Last evaluated: 2024-12-16. Review status: criteria provided, single submitter. Criteria: ACMG Guidelines, 2015. Collection method: clinical testing. Allele origin: germline.
Comment: The missense variant NM_000179.3(MSH6):c.3478G>A (p.Val1160Ile) causes a change at the same amino acid residue as a previously established pathogenic variant. There is a small physicochemical difference between valine and isoleucine, which is not likely to impact secondary protein structure as these residues share similar properties. The nucleotide c.3478 in MSH6 is predicted conserved by GERP++ and PhyloP across 100 vertebrates. For these reasons, this variant has been classified as Uncertain Significance.

Color Diagnostics, LLC DBA Color Health
Classification: Likely benign for Hereditary cancer-predisposing syndrome. Last evaluated: 2024-10-10. Review status: criteria provided, single submitter. Criteria: ACMG Guidelines, 2015. Collection method: clinical testing. Allele origin: germline.

Blueprint Genetics
Classification: Uncertain significance. Last evaluated: 2024-03-28. Review status: criteria provided, single submitter. Criteria: ACMG Guidelines, 2015. Collection method: clinical testing. Allele origin: germline.

Department of Pathology and Laboratory Medicine, Sinai Health System
Classification: Likely benign for Endometrial carcinoma; Lynch syndrome 5; Mismatch repair cancer syndrome 3. Last evaluated: 2023-10-06. Review status: criteria provided, single submitter. Criteria: ACMG Guidelines, 2015. Collection method: clinical testing. Allele origin: germline. Affected: no.

Mendelics
Classification: Benign for Hereditary nonpolyposis colon cancer. Last evaluated: 2023-08-22. Review status: criteria provided, single submitter. Criteria: Mendelics Assertion Criteria 2019. Collection method: clinical testing. Allele origin: germline.

Women's Health and Genetics/Laboratory Corporation of America, LabCorp
Classification: Uncertain significance. Last evaluated: 2023-05-22. Review status: criteria provided, single submitter. Criteria: LabCorp Variant Classification Summary - May 2015. Collection method: clinical testing. Allele origin: germline.
Comment: Variant summary: MSH6 c.3478G>A (p.Val1160Ile) results in a conservative amino acid change located in the C-terminal domain (IPR000432) found in proteins in the MutS family of DNA mismatch repair proteins. Three of five in-silico tools predict a benign effect of the variant on protein function. In addition, a bioinformatics tool developed to predict the impact of missense variants in MSH6, indicated no impact on protein function (Terui_2013). The variant allele was found at a frequency of 7.2e-05 in 251404 control chromosomes, predominantly at a frequency of 0.0012 within the Ashkenazi Jewish subpopulation in the gnomAD database. The observed variant frequency within Ashkenazi Jewish control individuals in the gnomAD database is approximately 8-fold higher than the expected maximum for a pathogenic variant in MSH6 causing Lynch Syndrome phenotype (0.00014), suggesting that the variant may be a benign polymorphism. c.3478G>A has been reported in the literature in individuals affected with Breast Cancer (Maxwell_2015, Pinto_2016, Yadav_2016, Guindalini_2022, McDonald_2022), however, these reports do not provide unequivocal conclusions about association of the variant with Lynch Syndrome. Co-occurrences with other pathogenic variants have been reported (BRCA1 c.2309C>A, p.Ser770X (Pinto 2016); BRCA2 c.5946delT, p.Ser1982ArgfsX22 (internal sample)), providing supporting evidence for a benign role. To our knowledge, no experimental evidence demonstrating an impact on protein function has been reported. The following publications have been ascertained in the context of this evaluation (PMID: 35264596, 25503501, 36315513, 27553368, 23621914, 27878467). Twelve submitters have provided clinical-significance assessments for this variant to ClinVar after 2014 and classified the variant as either likely benign (n=6) or VUS (n=6). Based on the evidence outlined above, the variant was classified as VUS-possibly benign.

Sema4
Classification: Likely benign for Hereditary cancer-predisposing syndrome. Last evaluated: 2021-12-29. Review status: criteria provided, single submitter. Criteria: Sema4 Curation Guidelines. Collection method: curation. Allele origin: germline.

Ambry Genetics
Classification: Likely benign for Hereditary cancer-predisposing syndrome. Last evaluated: 2020-07-24. Review status: criteria provided, single submitter. Criteria: Ambry Variant Classification Scheme 2023. Collection method: clinical testing. Allele origin: germline.

Quest Diagnostics Nichols Institute San Juan Capistrano
Classification: Likely benign. Last evaluated: 2020-01-16. Review status: criteria provided, single submitter. Criteria: Quest Diagnostics criteria. Collection method: clinical testing. Allele origin: unknown.

GeneDx
Classification: Likely benign. Last evaluated: 2019-09-09. Review status: criteria provided, single submitter. Criteria: GeneDx Variant Classification Process June 2021. Collection method: clinical testing. Allele origin: germline. Affected: yes.
Comment: This variant is associated with the following publications: (PMID: 23621914, 25503501, 27553368, 27878467)

Baylor Genetics
Classification: Uncertain significance for Lynch syndrome 5. Last evaluated: 2018-12-21. Review status: criteria provided, single submitter. Criteria: ACMG Guidelines, 2015. Collection method: clinical testing. Allele origin: maternal. Affected: yes. Study: CSER-TexasKidsCanSeq.
Comment: This variant was determined to be of uncertain significance according to ACMG Guidelines, 2015 [PMID:25741868].

Genetic Services Laboratory, University of Chicago
Classification: Uncertain significance. Last evaluated: 2018-08-01. Review status: criteria provided, single submitter. Criteria: ACMG Guidelines, 2015. Collection method: clinical testing. Allele origin: germline. Affected: no.

Illumina Laboratory Services, Illumina
Classification: Uncertain significance for Lynch syndrome 5. Last evaluated: 2017-09-23. Review status: criteria provided, single submitter. Criteria: ICSL Variant Classification Criteria 13 December 2019. Collection method: clinical testing. Allele origin: germline.
Comment: This variant was observed as part of a predisposition screen in an ostensibly healthy population. A literature search was performed for the gene, cDNA change, and amino acid change (where applicable). Publications were found based on this search. However, the evidence from the literature, in combination with allele frequency data from public databases where available, was not sufficient to rule this variant in or out of causing disease. Therefore, this variant is classified as a variant of unknown significance.

Counsyl
Classification: Uncertain significance for Lynch syndrome 5. Last evaluated: 2015-11-25. Review status: no assertion criteria provided. Collection method: clinical testing. Allele origin: unknown. Not counted in ClinVar's aggregate classification.

Mayo Clinic Laboratories, Mayo Clinic
Classification: Uncertain significance. Review status: no assertion criteria provided. Collection method: research. Allele origin: unknown. Observed: 1 variant allele. Not counted in ClinVar's aggregate classification.

Literature cited by the submitters: PubMed 27363726 (cited by Myriad Genetics, Inc.); PubMed 23621914 (cited by Women's Health and Genetics/Laboratory Corporation of America, LabCorp and Illumina Laboratory Services, Illumina); PubMed 25503501 (cited by 4 submitters); PubMed 27553368 (cited by 4 submitters); PubMed 27878467 (cited by 4 submitters); PubMed 35264596 (cited by Women's Health and Genetics/Laboratory Corporation of America, LabCorp); PubMed 36315513 (cited by Women's Health and Genetics/Laboratory Corporation of America, LabCorp); PubMed 29684080 (cited by Ambry Genetics); PubMed 30267214 (cited by Ambry Genetics).

NM_000179.3(MSH6):c.3478G>A (p.Val1160Ile)

Gene: MSH6 (mutS homolog 6; plus strand). Cytogenetic location: 2p16.3.
Variant type: single nucleotide variant.
Coding change: c.3478G>A on transcript NM_000179.3 (MANE Select); coding-DNA position 3478, G replaced by A.
Protein change: p.Val1160Ile; replaces valine 1160 with isoleucine.
Molecular consequence: missense variant.
Genome position (GRCh38, 1-based): chr2:47,804,949, G>A. VCF-style: chr2-47804949-G-A. GRCh37 (hg19) VCF-style: chr2-48032088-G-A.
Other names: c.3088G>A, p.Val1030Ile (NM_001281492.2); c.2572G>A, p.Val858Ile (NM_001281493.2, NM_001281494.2); short protein forms V1160I, V1030I, V858I.
Identifiers: ClinVar variation 185611 (VCV000185611.52), dbSNP rs376799914, ClinGen allele CA013029.